The following is an entry in ClinVar:

ClinVar aggregate classification (germline): Conflicting classifications of pathogenicity. Review status: criteria provided, conflicting classifications (1 of 4 stars). 4 submissions from 4 submitters: Uncertain significance (1); Likely benign (3). Last evaluated 2025-10-06.

Conditions:
PRPF31-related disorder. Also called: PRPF31-related condition.
Retinitis pigmentosa (RP). Identifiers: Orphanet 791, MedGen C0035334, MeSH D012174, MONDO:0019200, OMIM 268000. Inheritance: Autosomal dominant, autosomal recessive and X linked inheritance.

Allele frequency attached by ClinVar (database versions not stated): 1000 Genomes Project 30x 0.00016; 1000 Genomes Project 0.00020.
gnomAD v4.1: 62 of 1,568,388 alleles (0.004%); highest among the groups gnomAD compares: Admixed American, 0.0077%; no homozygotes.

Submissions (4):

PreventionGenetics, part of Exact Sciences
Classification: Likely benign for PRPF31-related condition. Last evaluated: 2025-10-06. Review status: criteria provided, single submitter. Criteria: ACMG Guidelines, 2015. Collection method: clinical testing. Allele origin: germline.
Comment: This variant is classified as likely benign based on ACMG/AMP sequence variant interpretation guidelines (Richards et al. 2015 PMID: 25741868, with internal and published modifications).

Labcorp Genetics (formerly Invitae), Labcorp
Classification: Likely benign. Last evaluated: 2025-08-17. Review status: criteria provided, single submitter. Criteria: Invitae Variant Classification Sherloc (09022015). Collection method: clinical testing. Allele origin: germline.

Blueprint Genetics
Classification: Likely benign. Last evaluated: 2023-12-12. Review status: criteria provided, single submitter. Criteria: ACMG Guidelines, 2015. Collection method: clinical testing. Allele origin: germline.

Illumina Laboratory Services, Illumina
Classification: Uncertain significance for Retinitis pigmentosa. Last evaluated: 2018-01-12. Review status: criteria provided, single submitter. Criteria: ICSL Variant Classification Criteria 13 December 2019. Collection method: clinical testing. Allele origin: germline.

NM_015629.4(PRPF31):c.1147-5C>G

Gene: PRPF31 (pre-mRNA processing factor 31; plus strand). Cytogenetic location: 19q13.42.
Variant type: single nucleotide variant.
Coding change: c.1147-5C>G on transcript NM_015629.4 (MANE Select); 5 bases into the intron before coding-DNA position 1147, C replaced by G.
Molecular consequence: intron variant.
Genome position (GRCh38, 1-based): chr19:54,129,052, C>G. VCF-style: chr19-54129052-C-G. GRCh37 (hg19) VCF-style: chr19-54632427-C-G.
Identifiers: ClinVar variation 330105 (VCV000330105.14), dbSNP rs587757028, ClinGen allele CA309330501.